The following is an entry in ClinVar:

NM_000044.6(AR):c.2076C>A (p.Asn692Lys)

Gene: AR (androgen receptor; plus strand). Cytogenetic location: Xq12.
Variant type: single nucleotide variant.
Coding change: c.2076C>A on transcript NM_000044.6 (MANE Select); coding-DNA position 2076, C replaced by A.
Protein change: p.Asn692Lys; replaces asparagine 692 with lysine.
Molecular consequence: missense variant.
Genome position (GRCh38, 1-based): chrX:67,711,592, C>A. VCF-style: chrX-67711592-C-A. GRCh37 (hg19) VCF-style: chrX-66931434-C-A.
Other names: c.480C>A, p.Asn160Lys (NM_001011645.3); short protein forms N160K, N692K.
Identifiers: ClinVar variation 1698951 (VCV001698951.3), dbSNP rs2147524930, ClinGen allele CA413423359.

ClinVar aggregate classification (germline): Likely pathogenic (1 of 4 stars; one submission).

Conditions:
Androgen resistance syndrome (AIS). Also called: Androgen insensitivity syndrome due to coactivator deficiency; Androgen insensitivity; ANDROGEN RECEPTOR DEFICIENCY; DIHYDROTESTOSTERONE RECEPTOR DEFICIENCY; DHTR DEFICIENCY; TESTICULAR FEMINIZATION SYNDROME. Identifiers: Orphanet 754, Orphanet 99429, MedGen C0039585, MONDO:0019154, OMIM 300068. Disease mechanism: loss of function.

Submission:

Victorian Clinical Genetics Services, Murdoch Childrens Research Institute
Classification: Likely pathogenic for Androgen resistance syndrome. Last evaluated: 2022-02-02. Review status: criteria provided, single submitter. Criteria: ACMG Guidelines, 2015. Collection method: clinical testing. Allele origin: germline. Inheritance: X-linked recessive inheritance. Affected: yes.
Comment: Based on the classification scheme VCGS_Germline_v1.3.4, this variant is classified as Likely Pathogenic. Following criteria are met: 0102 - Loss of function is a known mechanism of disease in this gene and is associated with androgen insensitivity (MIM#300068) and partial androgen insensitivity (MIM#312300). (I) 0109 - This gene is associated with X-linked recessive disease. (I) 0200 - Variant is predicted to result in a missense amino acid change from asparagine to lysine. (I) 0253 - This variant is hemizygous. (I) 0301 - Variant is absent from gnomAD (both v2 and v3). (SP) 0501 - Missense variant consistently predicted to be damaging by multiple in silico tools or highly conserved with a major amino acid change. (SP) 0601 - Variant is located in the well-established functional ligand binding domain (NCBI, Uniprot). FRAP analysis suggested that the reduced long-term immobility is due to the absence of ligand binding domain (PMID: 15109605). (SP) 0705 - No comparable missense variants have previous evidence for pathogenicity. (I) 0803 - This variant has limited previous evidence of pathogenicity in an unrelated individual. (SP) 0905 - No published segregation evidence has been identified for this variant. (I) 1007 - No published functional evidence has been identified for this variant. (I) 1102 - Strong phenotype match for this individual. (SP) 1208 - Inheritance information for this variant is not currently available in this individual. (I) Legend: (SP) - Supporting pathogenic, (I) - Information, (SB) - Supporting benign

Literature cited by the submitters: PubMed 15109605; PubMed 28947719.